The following is an entry in ClinVar:

ClinVar aggregate classification (germline): Pathogenic/Likely pathogenic. Review status: criteria provided, multiple submitters, no conflicts (2 of 4 stars). 2 submissions from 2 submitters: Pathogenic (1); Likely pathogenic (1). Last evaluated 2026-01-15.

Conditions:
Metachromatic leukodystrophy (MLD). Also called: Cerebral sclerosis diffuse metachromatic form; Arylsulfatase A Deficiency; SULFATIDE LIPIDOSIS; ARSA DEFICIENCY; CEREBROSIDE SULFATASE DEFICIENCY; METACHROMATIC LEUKOENCEPHALOPATHY. Identifiers: Orphanet 512, MedGen C0023522, MONDO:0018868, OMIM 250100.

Allele frequency attached by ClinVar (database versions not stated): gnomAD exomes below 0.00001; TOPMed below 0.00001.

Submissions (2):

Women's Health and Genetics/Laboratory Corporation of America, LabCorp
Classification: Likely pathogenic for Metachromatic leukodystrophy. Last evaluated: 2026-01-15. Review status: criteria provided, single submitter. Criteria: LabCorp Variant Classification Summary - May 2015. Collection method: clinical testing. Allele origin: germline.
Comment: Variant summary: ARSA c.93C>G (p.Asp31Glu) results in a conservative amino acid change in the encoded protein sequence. Algorithms developed to predict the effect of missense changes on protein structure and function are either unavailable or do not agree on the potential impact of this missense change. The frequency data for this variant in gnomAD is considered unreliable, as metrics indicate poor data quality at this position. A different variant resulting in the same amino acid effect (c.93C>A, p.D31E) has been observed in compound heterozygous individuals affected with late infantile Metachromatic Leukodystrophy without a pseudodeficiency allele (e.g. Galla_2012, Cesani_2016). The following publications have been ascertained in the context of this evaluation (PMID: 23559313, 26462614). ClinVar contains an entry for this variant (Variation ID: 2897710). Based on the evidence outlined above, the variant was classified as likely pathogenic.

Labcorp Genetics (formerly Invitae), Labcorp
Classification: Pathogenic for Metachromatic leukodystrophy. Last evaluated: 2023-05-02. Review status: criteria provided, single submitter. Criteria: Invitae Variant Classification Sherloc (09022015). Collection method: clinical testing. Allele origin: germline.
Comment: A different variant (c.93C>A) giving rise to the same protein effect has been determined to be pathogenic (PMID: 23559313, 26462614). This suggests that this variant is also likely to be causative of disease. This variant is not present in population databases (gnomAD no frequency). This sequence change replaces aspartic acid, which is acidic and polar, with glutamic acid, which is acidic and polar, at codon 31 of the ARSA protein (p.Asp31Glu). Advanced modeling of protein sequence and biophysical properties (such as structural, functional, and spatial information, amino acid conservation, physicochemical variation, residue mobility, and thermodynamic stability) performed at Invitae indicates that this missense variant is expected to disrupt ARSA protein function. For these reasons, this variant has been classified as Pathogenic.

Literature cited by the submitters: PubMed 26462614 (cited by Women's Health and Genetics/Laboratory Corporation of America, LabCorp and Labcorp Genetics (formerly Invitae), Labcorp); PubMed 23559313 (cited by Women's Health and Genetics/Laboratory Corporation of America, LabCorp and Labcorp Genetics (formerly Invitae), Labcorp).

NM_000487.6(ARSA):c.93C>G (p.Asp31Glu)

Gene: ARSA (arylsulfatase A; minus strand). Cytogenetic location: 22q13.33.
Variant type: single nucleotide variant.
Coding change: c.93C>G on transcript NM_000487.6 (MANE Select); coding-DNA position 93, C replaced by G.
Protein change: p.Asp31Glu; replaces aspartic acid 31 with glutamic acid.
Molecular consequence: missense variant. On other transcripts: intron variant (2).
Genome position (GRCh38, 1-based): chr22:50,627,687, G>C on the plus strand (C>G on the coding strand, the complement: ARSA is on the minus strand). VCF-style: chr22-50627687-G-C. GRCh37 (hg19) VCF-style: chr22-51066115-G-C.
Other names: c.93C>G, p.Asp31Glu (NM_001085425.3, NM_001085426.3, NM_001085427.3); c.-34-281C>G (NM_001362782.2); c.-35+259C>G (NM_001085428.3); short protein forms D31E.
Identifiers: ClinVar variation 2897710 (VCV002897710.4), dbSNP rs749426428, ClinGen allele CA10325117.
Genomic context (GRCh38, chr22:50,627,687, plus strand): 5'-CAGGTTGGGAGTGGTAGAGCTGGGGTGCCCATAGCAGCCCAGGTCCCCATAGCCGAGGTC[G>C]TCGGCAAAGATCAGCACGATGTTGGGCGGACGGGCAACGGCCAGGCCAGCAGCCAGGGCC-3'
Protein context (NP_000478.3, residues 21-41): RPPNIVLIFA[Asp31Glu]DLGYGDLGCY